The following is an entry in ClinVar:

Conditions:
Long QT syndrome 5 (LQT5). Identifiers: Orphanet 101016, Orphanet 768, MedGen C1867904, MONDO:0013372, OMIM 613695.

Submission:

Roden Lab, Vanderbilt University Medical Center
No classification provided (evidence only). Condition: Long QT syndrome 5. Review status: no classification provided. Collection method: in vitro. Allele origin: not applicable. Functional consequence: Effect on ion channel function.
ClinVar note: "not provided" was previously submitted as the classification for the variant. However, the classification appeared to be based only on an observation of functional data so it was converted to no classification on 2025-07-30.

NM_000219.6(KCNE1):c.275A>C (p.Lys92Thr)

Gene: KCNE1 (potassium voltage-gated channel subfamily E regulatory subunit 1; minus strand). Cytogenetic location: 21q22.12.
Variant type: single nucleotide variant.
Coding change: c.275A>C on transcript NM_000219.6 (MANE Select); coding-DNA position 275, A replaced by C.
Protein change: p.Lys92Thr; replaces lysine 92 with threonine.
Molecular consequence: missense variant.
Genome position (GRCh38, 1-based): chr21:34,449,360, T>G on the plus strand (A>C on the coding strand, the complement: KCNE1 is on the minus strand). VCF-style: chr21-34449360-T-G. GRCh37 (hg19) VCF-style: chr21-35821658-T-G.
Other names: c.275A>C, p.Lys92Thr (NM_001127668.4, NM_001127669.4, NM_001127670.4 and 4 more transcripts); short protein forms K92T.
Identifiers: ClinVar variation 3374506 (VCV003374506.2).